The following is an entry in ClinVar:

NM_001308093.3(GATA4):c.1262C>A (p.Thr421Asn)

Gene: GATA4 (GATA binding protein 4). Cytogenetic location: 8p23.1.
Variant type: single nucleotide variant.
Coding change: c.1262C>A on transcript NM_001308093.3 (MANE Select); coding-DNA position 1262, C replaced by A.
Protein change: p.Thr421Asn; replaces threonine 421 with asparagine.
Molecular consequence: missense variant.
Genome position (GRCh38, 1-based): chr8:11,758,405, C>A. VCF-style: chr8-11758405-C-A. GRCh37 (hg19) VCF-style: chr8-11615914-C-A.
Other names: c.641C>A, p.Thr214Asn (NM_001308094.2, NM_001374273.1); c.515C>A, p.Thr172Asn (NM_001374274.1); c.1259C>A, p.Thr420Asn (NM_002052.5); short protein forms T421N, T420N, T172N, T214N.
Identifiers: ClinVar variation 1395466 (VCV001395466.9), dbSNP rs114839964, ClinGen allele CA4630901.

ClinVar aggregate classification (germline): Uncertain significance. Review status: criteria provided, multiple submitters, no conflicts (2 of 4 stars). 2 submissions from 2 submitters: Uncertain significance (2). Last evaluated 2025-09-22.

Conditions:
Atrioventricular septal defect 4 (AVSD4). Identifiers: MedGen C3280781, MONDO:0013747, OMIM 614430.

Allele frequency attached by ClinVar (database versions not stated): ExAC 0.00002; 1000 Genomes Project 30x 0.00016; gnomAD exomes 0.00002; 1000 Genomes Project 0.00020.
gnomAD v4.1: 5 of 1,614,250 alleles (0.00031%); highest among the groups gnomAD compares: East Asian, 0.0067%; no homozygotes.

Submissions (2):

Labcorp Genetics (formerly Invitae), Labcorp
Classification: Uncertain significance for Atrioventricular septal defect 4. Last evaluated: 2025-09-22. Review status: criteria provided, single submitter. Criteria: Invitae Variant Classification Sherloc (09022015). Collection method: clinical testing. Allele origin: germline.
Comment: This sequence change replaces threonine, which is neutral and polar, with asparagine, which is neutral and polar, at codon 420 of the GATA4 protein (p.Thr420Asn). This variant is present in population databases (rs114839964, gnomAD 0.02%). This variant has not been reported in the literature in individuals affected with GATA4-related conditions. ClinVar contains an entry for this variant (Variation ID: 1395466). Invitae Evidence Modeling of protein sequence and biophysical properties (such as structural, functional, and spatial information, amino acid conservation, physicochemical variation, residue mobility, and thermodynamic stability) indicates that this missense variant is not expected to disrupt GATA4 protein function with a negative predictive value of 95%. In summary, the available evidence is currently insufficient to determine the role of this variant in disease. Therefore, it has been classified as a Variant of Uncertain Significance.

Breakthrough Genomics
Classification: Uncertain significance. Review status: criteria provided, single submitter. Criteria: ACMG Guidelines, 2015. Collection method: not provided. Allele origin: germline. Inheritance: Autosomal recessive inheritance. Affected: yes.